The following is an entry in ClinVar:

ClinVar aggregate classification (germline): Uncertain significance (1 of 4 stars; one submission).

Conditions:
Niemann-Pick disease, type C1. Also called: NIEMANN-PICK DISEASE, VARIANT TYPE C1; NEUROVISCERAL STORAGE DISEASE WITH VERTICAL SUPRANUCLEAR OPHTHALMOPLEGIA; NIEMANN-PICK DISEASE WITH CHOLESTEROL ESTERIFICATION BLOCK; NIEMANN-PICK DISEASE WITHOUT SPHINGOMYELINASE DEFICIENCY; NIEMANN-PICK DISEASE, CHRONIC NEURONOPATHIC FORM. Identifiers: Orphanet 646, MedGen C3179455, MONDO:0009757, OMIM 257220.

Allele frequency attached by ClinVar (database versions not stated): gnomAD exomes below 0.00001.

Submission:

Labcorp Genetics (formerly Invitae), Labcorp
Classification: Uncertain significance for Niemann-Pick disease, type C1. Last evaluated: 2021-12-22. Review status: criteria provided, single submitter. Criteria: Invitae Variant Classification Sherloc (09022015). Collection method: clinical testing. Allele origin: germline.
Comment: This sequence change replaces methionine, which is neutral and non-polar, with isoleucine, which is neutral and non-polar, at codon 1127 of the NPC1 protein (p.Met1127Ile). This variant is not present in population databases (gnomAD no frequency). This variant has not been reported in the literature in individuals affected with NPC1-related conditions. Advanced modeling of protein sequence and biophysical properties (such as structural, functional, and spatial information, amino acid conservation, physicochemical variation, residue mobility, and thermodynamic stability) performed at Invitae indicates that this missense variant is not expected to disrupt NPC1 protein function. In summary, the available evidence is currently insufficient to determine the role of this variant in disease. Therefore, it has been classified as a Variant of Uncertain Significance.

NM_000271.5(NPC1):c.3381G>A (p.Met1127Ile)

Gene: NPC1 (NPC intracellular cholesterol transporter 1; minus strand). Cytogenetic location: 18q11.2.
Variant type: single nucleotide variant.
Coding change: c.3381G>A on transcript NM_000271.5 (MANE Select); coding-DNA position 3381, G replaced by A.
Protein change: p.Met1127Ile; replaces methionine 1127 with isoleucine.
Molecular consequence: missense variant.
Genome position (GRCh38, 1-based): chr18:23,535,565, C>T on the plus strand (G>A on the coding strand, the complement: NPC1 is on the minus strand). VCF-style: chr18-23535565-C-T. GRCh37 (hg19) VCF-style: chr18-21115529-C-T.
Other names: short protein forms M1127I.
Identifiers: ClinVar variation 1484665 (VCV001484665.3), dbSNP rs2145350601, ClinGen allele CA401791330.
Genomic context (GRCh38, chr18:23,535,565, plus strand): 5'-GATGCCCCAGAGCCACATAACTCCAAACATGTTGACCAAGACCATGGCGATGGTGGCACA[C>T]ATGATGACTGCAGACCAGAGCTCACAGCCCAGGAGGACCATGGTCACCAGAAATATCGCG-3'
Protein context (NP_000262.2, residues 1117-1137): LGCELWSAVI[Met1127Ile]CATIAMVLVN